The following is an entry in ClinVar:

NM_004655.4(AXIN2):c.758A>T (p.Lys253Ile)

Gene: AXIN2 (axin 2; minus strand). Cytogenetic location: 17q24.1.
Variant type: single nucleotide variant.
Coding change: c.758A>T on transcript NM_004655.4 (MANE Select); coding-DNA position 758, A replaced by T.
Protein change: p.Lys253Ile; replaces lysine 253 with isoleucine.
Molecular consequence: missense variant.
Genome position (GRCh38, 1-based): chr17:65,557,863, T>A on the plus strand (A>T on the coding strand, the complement: AXIN2 is on the minus strand). VCF-style: chr17-65557863-T-A. GRCh37 (hg19) VCF-style: chr17-63553981-T-A.
Other names: c.758A>T (LRG_296t1); c.758A>T, p.Lys253Ile (NM_001363813.1); short protein forms K253I.
Identifiers: ClinVar variation 653716 (VCV000653716.11), dbSNP rs1598118970, ClinGen allele CA400680335.

ClinVar aggregate classification (germline): Uncertain significance. Review status: criteria provided, multiple submitters, no conflicts (2 of 4 stars). 2 submissions from 2 submitters: Uncertain significance (2). Last evaluated 2025-07-14.

Conditions:
Hereditary cancer-predisposing syndrome. Also called: Neoplastic Syndromes, Hereditary; Tumor predisposition; Hereditary Cancer Syndrome; Hereditary neoplastic syndrome. Identifiers: Orphanet 140162, MedGen C0027672, MeSH D009386, MONDO:0015356.
Oligodontia-cancer predisposition syndrome. Also called: TOOTH AGENESIS-COLORECTAL CANCER SYNDROME. Identifiers: Orphanet 300576, MedGen C1837750, MONDO:0012075, OMIM 608615. Disease mechanism: loss of function.

Submissions (2):

Ambry Genetics
Classification: Uncertain significance for Hereditary cancer-predisposing syndrome. Last evaluated: 2025-07-14. Review status: criteria provided, single submitter. Criteria: Ambry Variant Classification Scheme 2023. Collection method: clinical testing. Allele origin: germline.
Comment: The p.K253I variant (also known as c.758A>T), located in coding exon 1 of the AXIN2 gene, results from an A to T substitution at nucleotide position 758. The lysine at codon 253 is replaced by isoleucine, an amino acid with dissimilar properties. This amino acid position is well conserved in available vertebrate species. In addition, this alteration is predicted to be tolerated by in silico analysis. Based on the available evidence, the clinical significance of this variant remains unclear.

Labcorp Genetics (formerly Invitae), Labcorp
Classification: Uncertain significance for Oligodontia-cancer predisposition syndrome. Last evaluated: 2025-06-29. Review status: criteria provided, single submitter. Criteria: Invitae Variant Classification Sherloc (09022015). Collection method: clinical testing. Allele origin: germline.
Comment: This sequence change replaces lysine, which is basic and polar, with isoleucine, which is neutral and non-polar, at codon 253 of the AXIN2 protein (p.Lys253Ile). This variant is not present in population databases (gnomAD no frequency). This variant has not been reported in the literature in individuals affected with AXIN2-related conditions. ClinVar contains an entry for this variant (Variation ID: 653716). Invitae Evidence Modeling of protein sequence and biophysical properties (such as structural, functional, and spatial information, amino acid conservation, physicochemical variation, residue mobility, and thermodynamic stability) has been performed for this missense variant. However, the output from this modeling did not meet the statistical confidence thresholds required to predict the impact of this variant on AXIN2 protein function. In summary, the available evidence is currently insufficient to determine the role of this variant in disease. Therefore, it has been classified as a Variant of Uncertain Significance.